The following is an entry in ClinVar:

NM_001374828.1(ARID1B):c.6227G>A (p.Arg2076His)

Gene: ARID1B (AT-rich interaction domain 1B; plus strand). Cytogenetic location: 6q25.3.
Variant type: single nucleotide variant.
Coding change: c.6227G>A on transcript NM_001374828.1 (MANE Select); coding-DNA position 6227, G replaced by A.
Protein change: p.Arg2076His; replaces arginine 2076 with histidine.
Molecular consequence: missense variant.
Genome position (GRCh38, 1-based): chr6:157,206,999, G>A. VCF-style: chr6-157206999-G-A. GRCh37 (hg19) VCF-style: chr6-157528133-G-A.
Other names: c.5858G>A (NM_020732.3); c.3728G>A, p.Arg1243His (NM_001363725.2); c.6107G>A, p.Arg2036His (NM_001371656.1, NM_001374820.1); c.6068G>A, p.Arg2023His (NM_017519.3); short protein forms R1243H, R2023H, R2036H, R2076H.
Identifiers: ClinVar variation 1309958 (VCV001309958.7), dbSNP rs1351633854, ClinGen allele CA366247810.
Genomic context (GRCh38, chr6:157,206,999, plus strand): 5'-CCATCGCGCACTGGCAGGACTCGCTGGCTAAGCGATGCATCTGTGTGTCCAATATTGTCC[G>A]TAGCTTGTCATTCGTGCCTGGCAATGATGCCGAAATGTCCAAACATCCAGGCCTGGTGCT-3'
Protein context (NP_001361757.1, residues 2066-2086): KRCICVSNIV[Arg2076His]SLSFVPGNDA

ClinVar aggregate classification (germline): Uncertain significance. Review status: criteria provided, multiple submitters, no conflicts (2 of 4 stars). 3 submissions from 3 submitters: Uncertain significance (3). Last evaluated 2023-10-26.

Conditions:
Developmental disorder. Identifiers: MedGen C0008073.

Submissions (3):

Labcorp Genetics (formerly Invitae), Labcorp
Classification: Uncertain significance. Last evaluated: 2023-10-26. Review status: criteria provided, single submitter. Criteria: Invitae Variant Classification Sherloc (09022015). Collection method: clinical testing. Allele origin: germline.
Comment: This sequence change replaces arginine, which is basic and polar, with histidine, which is basic and polar, at codon 1953 of the ARID1B protein (p.Arg1953His). This variant is not present in population databases (gnomAD no frequency). This variant has not been reported in the literature in individuals affected with ARID1B-related conditions. ClinVar contains an entry for this variant (Variation ID: 1309958). Advanced modeling of protein sequence and biophysical properties (such as structural, functional, and spatial information, amino acid conservation, physicochemical variation, residue mobility, and thermodynamic stability) has been performed at Invitae for this missense variant, however the output from this modeling did not meet the statistical confidence thresholds required to predict the impact of this variant on ARID1B protein function. In summary, the available evidence is currently insufficient to determine the role of this variant in disease. Therefore, it has been classified as a Variant of Uncertain Significance.

Department of Genetics, Rouen University Hospital, Normandy Center for Genomic and Personalized Medicine
Classification: Uncertain significance for Developmental disorder. Last evaluated: 2023-03-01. Review status: criteria provided, single submitter. Criteria: ACMG Guidelines, 2015. Collection method: clinical testing. Allele origin: maternal. Affected: yes.

GeneDx
Classification: Uncertain significance. Last evaluated: 2019-11-12. Review status: criteria provided, single submitter. Criteria: GeneDx Variant Classification Process June 2021. Collection method: clinical testing. Allele origin: germline. Affected: yes.
Comment: Not observed in large population cohorts (Lek et al., 2016); In silico analysis, which includes protein predictors and evolutionary conservation, supports a deleterious effect; Has not been previously published as pathogenic or benign to our knowledge